The following is an entry in ClinVar:

ClinVar aggregate classification (germline): Pathogenic (1 of 4 stars; one submission).

Allele frequency attached by ClinVar (database versions not stated): ExAC 0.00001; gnomAD 0.00002; gnomAD exomes 0.00002 and 0.00003; TOPMed 0.00004.
gnomAD v4.1: 48 of 1,606,126 alleles (0.003%); highest among the groups gnomAD compares: Non-Finnish European, 0.0038%; no homozygotes.

Submission:

Labcorp Genetics (formerly Invitae), Labcorp
Classification: Pathogenic. Last evaluated: 2025-09-22. Review status: criteria provided, single submitter. Criteria: Invitae Variant Classification Sherloc (09022015). Collection method: clinical testing. Allele origin: germline.
Comment: This sequence change creates a premature translational stop signal (p.Glu1164*) in the CEP152 gene. It is expected to result in an absent or disrupted protein product. Loss-of-function variants in CEP152 are known to be pathogenic (PMID: 21131973). This variant is present in population databases (rs765626502, gnomAD 0.007%). This variant has not been reported in the literature in individuals affected with CEP152-related conditions. ClinVar contains an entry for this variant (Variation ID: 1460136). For these reasons, this variant has been classified as Pathogenic.

Literature cited by the submitters: PubMed 21131973.

NM_001194998.2(CEP152):c.3658G>T (p.Glu1220Ter)

Gene: CEP152 (centrosomal protein 152; minus strand). Cytogenetic location: 15q21.1.
Variant type: single nucleotide variant.
Coding change: c.3658G>T on transcript NM_001194998.2 (MANE Select); coding-DNA position 3658, G replaced by T.
Protein change: p.Glu1220Ter; replaces glutamic acid 1220 with a stop codon.
Molecular consequence: nonsense.
Genome position (GRCh38, 1-based): chr15:48,744,969, C>A on the plus strand (G>T on the coding strand, the complement: CEP152 is on the minus strand). VCF-style: chr15-48744969-C-A. GRCh37 (hg19) VCF-style: chr15-49037166-C-A.
Other names: c.3490G>T, p.Glu1164Ter (NM_014985.4); short protein forms E1220*, E1164*.
Identifiers: ClinVar variation 1460136 (VCV001460136.6), dbSNP rs765626502, ClinGen allele CA7548314.